The following is an entry in ClinVar:

NM_001347721.2(DYRK1A):c.1364C>T (p.Pro455Leu)

Gene: DYRK1A (dual specificity tyrosine phosphorylation regulated kinase 1A; plus strand). Cytogenetic location: 21q22.13.
Variant type: single nucleotide variant.
Coding change: c.1364C>T on transcript NM_001347721.2 (MANE Select); coding-DNA position 1364, C replaced by T.
Protein change: p.Pro455Leu; replaces proline 455 with leucine.
Molecular consequence: missense variant.
Genome position (GRCh38, 1-based): chr21:37,505,434, C>T. VCF-style: chr21-37505434-C-T. GRCh37 (hg19) VCF-style: chr21-38877737-C-T.
Other names: c.1364C>T, p.Pro455Leu (NM_001347722.2, NM_130436.2); c.1277C>T, p.Pro426Leu (NM_001347723.2); c.1391C>T, p.Pro464Leu (NM_001396.5, NM_101395.2, NM_130438.2); short protein forms P426L, P455L, P464L.
Identifiers: ClinVar variation 3768367 (VCV003768367.1).

ClinVar aggregate classification (germline): Uncertain significance (1 of 4 stars; one submission).

Submission:

Women's Health and Genetics/Laboratory Corporation of America, LabCorp
Classification: Uncertain significance. Last evaluated: 2024-12-02. Review status: criteria provided, single submitter. Criteria: LabCorp Variant Classification Summary - May 2015. Collection method: clinical testing. Allele origin: germline.
Comment: Variant summary: DYRK1A c.1391C>T (p.Pro464Leu) results in a non-conservative amino acid change located in the Dual specificity tyrosine-phosphorylation-regulated kinase 1A/1B, catalytic domain (IPR044131) of the encoded protein sequence. Four of five in-silico tools predict a damaging effect of the variant on protein function. The variant was absent in 251488 control chromosomes. The available data on variant occurrences in the general population are insufficient to allow any conclusion about variant significance. To our knowledge, no occurrence of c.1391C>T in individuals affected with Autosomal Dominant Mental Retardation and no experimental evidence demonstrating its impact on protein function have been reported. No submitters have cited clinical-significance assessments for this variant to ClinVar. Based on the evidence outlined above, the variant was classified as uncertain significance.